The following is an entry in ClinVar:

ClinVar aggregate classification (germline): Uncertain significance. Review status: criteria provided, multiple submitters, no conflicts (2 of 4 stars). 2 submissions from 2 submitters: Uncertain significance (2). Last evaluated 2023-07-07.

Conditions:
KIDINS220-related disorder. Also called: KIDINS220-related condition.

Allele frequency attached by ClinVar (database versions not stated): gnomAD exomes below 0.00001; ExAC 0.00002; TOPMed 0.00002; gnomAD 0.00003; ESP Exome Variant Server 0.00008.
gnomAD v4.1: 11 of 1,614,044 alleles (0.00068%); highest among the groups gnomAD compares: African/African-American, 0.004%; no homozygotes.

Submissions (2):

PreventionGenetics, part of Exact Sciences
Classification: Uncertain significance for KIDINS220-related condition. Last evaluated: 2023-07-07. Review status: criteria provided, single submitter. Criteria: ACMG Guidelines, 2015. Collection method: clinical testing. Allele origin: germline.
Comment: The KIDINS220 c.2320G>A variant is predicted to result in the amino acid substitution p.Asp774Asn. To our knowledge, this variant has not been reported in the literature. This variant is reported in 0.0065% of alleles in individuals of African descent in gnomAD. At this time, the clinical significance of this variant is uncertain due to the absence of conclusive functional and genetic evidence.

Labcorp Genetics (formerly Invitae), Labcorp
Classification: Uncertain significance. Last evaluated: 2022-12-29. Review status: criteria provided, single submitter. Criteria: Invitae Variant Classification Sherloc (09022015). Collection method: clinical testing. Allele origin: germline.
Comment: Algorithms developed to predict the effect of missense changes on protein structure and function are either unavailable or do not agree on the potential impact of this missense change (SIFT: "Deleterious"; PolyPhen-2: "Probably Damaging"; Align-GVGD: "Class C15"). This variant has not been reported in the literature in individuals affected with KIDINS220-related conditions. This variant is present in population databases (rs368374957, gnomAD 0.007%). This sequence change replaces aspartic acid, which is acidic and polar, with asparagine, which is neutral and polar, at codon 774 of the KIDINS220 protein (p.Asp774Asn). In summary, the available evidence is currently insufficient to determine the role of this variant in disease. Therefore, it has been classified as a Variant of Uncertain Significance.

NM_020738.4(KIDINS220):c.2320G>A (p.Asp774Asn)

Gene: KIDINS220 (kinase D interacting substrate 220; minus strand). Cytogenetic location: 2p25.1.
Variant type: single nucleotide variant.
Coding change: c.2320G>A on transcript NM_020738.4 (MANE Select); coding-DNA position 2320, G replaced by A.
Protein change: p.Asp774Asn; replaces aspartic acid 774 with asparagine.
Molecular consequence: missense variant. On other transcripts: non-coding transcript variant (2).
Genome position (GRCh38, 1-based): chr2:8,779,724, C>T on the plus strand (G>A on the coding strand, the complement: KIDINS220 is on the minus strand). VCF-style: chr2-8779724-C-T. GRCh37 (hg19) VCF-style: chr2-8919854-C-T.
Other names: c.2323G>A, p.Asp775Asn (NM_001348729.2, NM_001348731.2, NM_001348734.2 and 3 more transcripts); c.2320G>A, p.Asp774Asn (NM_001348732.2, NM_001348735.2, NM_001348738.2 and 3 more transcripts); c.2194G>A, p.Asp732Asn (NM_001348736.2); short protein forms D732N, D774N, D775N.
Identifiers: ClinVar variation 2628875 (VCV002628875.4), dbSNP rs368374957, ClinGen allele CA1520006.